The following is an entry in ClinVar:

ClinVar aggregate classification (germline): Uncertain significance (1 of 4 stars; one submission).

Submission:

Women's Health and Genetics/Laboratory Corporation of America, LabCorp
Classification: Uncertain significance. Last evaluated: 2023-01-04. Review status: criteria provided, single submitter. Criteria: LabCorp Variant Classification Summary - May 2015. Collection method: clinical testing. Allele origin: germline.
Comment: Variant summary: ALG1 c.1393dupT (p.X465LeufsX94) causes a frameshift which results in an extension of the protein. The variant was absent in 232582 control chromosomes (gnomAD). The available data on variant occurrences in the general population are insufficient to allow any conclusion about variant significance. To our knowledge, no occurrence of c.1393dupT in individuals affected with Congenital Disorder Of Glycosylation Type 1K and no experimental evidence demonstrating its impact on protein function have been reported. No clinical diagnostic laboratories have submitted clinical-significance assessments for this variant to ClinVar after 2014. A different variant that also results in the extension of the protein (c.1393T>C [p.Ter465Gln], ClinVar: 1467083) has been classified as uncertain significance by 2 submitters. Based on the evidence outlined above, the variant was classified as uncertain significance.

NM_019109.5(ALG1):c.1393dup (p.Ter465LeuextTer?)

Genes: ALG1 (ALG1 chitobiosyldiphosphodolichol beta-mannosyltransferase; plus strand), EEF2KMT (eukaryotic elongation factor 2 lysine methyltransferase; minus strand). Cytogenetic location: 16p13.3.
Variant type: Duplication.
Coding change: c.1393dup on transcript NM_019109.5 (MANE Select); coding-DNA position 1393, one base duplicated (T; older notation c.1393dupT).
Protein change: p.Ter465LeuextTer?.
Molecular consequence: frameshift variant, stop lost. On other transcripts: 3 prime UTR variant (3).
Genome position (GRCh38, 1-based): chr16:5,084,879, T duplicated. VCF-style (leftmost placement, unchanged base first): chr16-5084878-A-AT. GRCh37 (hg19) VCF-style: chr16-5134879-A-AT.
Other names: c.*753dup (NM_001289029.2, NM_201400.4, NM_201598.4); c.1060dup, p.Ter354LeuextTer? (NM_001330504.2).
Identifiers: ClinVar variation 2429274 (VCV002429274.3), dbSNP rs2505880867, ClinGen allele CA2580091181.
Genomic context (GRCh38, chr16:5,084,878, plus strand): 5'-GCAGCAGCTCCGATGGGATGAGAGCTGGGTGCAGACTGTGCTCCCTTTGGTTATGGACAC[A>AT]TAACTCCTGGGCCAGAGGCTAAAACCCCAGGACCCCTGCTGTCCTTCCCGCAGCTTCTTC-3'